The following is an entry in ClinVar:

NM_024649.5(BBS1):c.441C>T (p.Ile147=)

Gene: BBS1 (Bardet-Biedl syndrome 1; plus strand). Cytogenetic location: 11q13.2.
Variant type: single nucleotide variant.
Coding change: c.441C>T on transcript NM_024649.5 (MANE Select); coding-DNA position 441, C replaced by T.
Protein change: p.Ile147=; no amino-acid change (isoleucine 147 retained).
Molecular consequence: synonymous variant.
Genome position (GRCh38, 1-based): chr11:66,515,548, C>T. VCF-style: chr11-66515548-C-T. GRCh37 (hg19) VCF-style: chr11-66283019-C-T.
Identifiers: ClinVar variation 879531 (VCV000879531.17), dbSNP rs544997496, ClinGen allele CA6123345.

ClinVar aggregate classification (germline): Conflicting classifications of pathogenicity. Review status: criteria provided, conflicting classifications (1 of 4 stars). 5 submissions from 5 submitters: Uncertain significance (1); Likely benign (2). 2 of the submissions do not count toward it. Last evaluated 2026-01-28.

Conditions:
BBS1-related disorder. Also called: BBS1-related condition.
Bardet-Biedl syndrome (BBS). Identifiers: Orphanet 110, MedGen C0752166, MONDO:0015229.
Bardet-Biedl syndrome 1 (BBS1). Identifiers: MedGen C2936862, MONDO:0008854, OMIM 209900. Disease mechanism: loss of function.

Allele frequency attached by ClinVar (database versions not stated): gnomAD 0.00001 and 0.00004; ExAC 0.00003; gnomAD exomes 0.00003 and 0.00004; TOPMed 0.00003; 1000 Genomes Project 30x 0.00016; 1000 Genomes Project 0.00020.
gnomAD v4.1: 47 of 1,614,120 alleles (0.0029%); highest among the groups gnomAD compares: South Asian, 0.044%; no homozygotes.

Submissions (5):

Labcorp Genetics (formerly Invitae), Labcorp
Classification: Likely benign for Bardet-Biedl syndrome. Last evaluated: 2026-01-28. Review status: criteria provided, single submitter. Criteria: Invitae Variant Classification Sherloc (09022015). Collection method: clinical testing. Allele origin: germline.

Blueprint Genetics
Classification: Likely benign. Last evaluated: 2024-05-20. Review status: criteria provided, single submitter. Criteria: ACMG Guidelines, 2015. Collection method: clinical testing. Allele origin: germline.

Illumina Laboratory Services, Illumina
Classification: Uncertain significance for Bardet-Biedl syndrome 1. Last evaluated: 2018-01-12. Review status: criteria provided, single submitter. Criteria: ICSL Variant Classification Criteria 13 December 2019. Collection method: clinical testing. Allele origin: germline.

PreventionGenetics, part of Exact Sciences
Classification: Likely benign for BBS1-related condition. Last evaluated: 2021-03-02. Review status: no assertion criteria provided. Collection method: clinical testing. Allele origin: germline. Not counted in ClinVar's aggregate classification.
Comment: This variant is classified as likely benign based on ACMG/AMP sequence variant interpretation guidelines (Richards et al. 2015 PMID: 25741868, with internal and published modifications).

Natera, Inc.
Classification: Uncertain significance for Bardet-Biedl syndrome type 1. Last evaluated: 2020-04-14. Review status: no assertion criteria provided. Collection method: clinical testing. Allele origin: germline. Not counted in ClinVar's aggregate classification.